The following is an entry in ClinVar:

ClinVar aggregate classification (germline): Conflicting classifications of pathogenicity. Review status: criteria provided, conflicting classifications (1 of 4 stars). 8 submissions from 8 submitters: Uncertain significance (1); Benign (1); Likely benign (6). Last evaluated 2026-08-01.

Conditions:
Epidermolysis bullosa simplex with nail dystrophy (EBS5D). Identifiers: MedGen C4225309, MONDO:0014661, OMIM 616487.
Epidermolysis bullosa simplex 5C, with pyloric atresia (EBS5C). Also called: PLEC-Related Epidermolysis Bullosa with Pyloric Atresia; PLEC1-Related Epidermolysis Bullosa with Pyloric Atresia; Epidermolysis bullosa simplex with pyloric atresia. Identifiers: Orphanet 158684, MedGen C2677349, MONDO:0012807, OMIM 612138.
Autosomal recessive limb-girdle muscular dystrophy type 2Q (LGMDR17). Also called: MUSCULAR DYSTROPHY, LIMB-GIRDLE, AUTOSOMAL RECESSIVE 17. Identifiers: Orphanet 254361, MedGen C3150989, MONDO:0013390, OMIM 613723.
Epidermolysis bullosa simplex, Ogna type (EBS5A). Also called: Pidermolysis bullosa simplex 5A, Ogna type; EPIDERMOLYSIS BULLOSA SIMPLEX 5A, OGNA TYPE. Identifiers: Orphanet 79401, MedGen C0432317, MONDO:0007555, OMIM 131950.
Epidermolysis bullosa simplex 5B, with muscular dystrophy (EBS5B). Also called: EPIDERMOLYSIS BULLOSA SIMPLEX AND LIMB-GIRDLE MUSCULAR DYSTROPHY; Epidermolysis bullosa simplex with muscular dystrophy. Identifiers: Orphanet 257, MedGen C2931072, MONDO:0009181, OMIM 226670.

Allele frequency attached by ClinVar (database versions not stated): gnomAD 0.00060 and 0.00061; TOPMed 0.00060; gnomAD exomes 0.00065 and 0.00095; ESP Exome Variant Server 0.00094; ExAC 0.00106.
gnomAD v4.1: 1,439 of 1,589,742 alleles (0.091%); highest among the groups gnomAD compares: Non-Finnish European, 0.11%; 2 homozygotes.

Submissions (8):

CeGaT Center for Human Genetics Tuebingen
Classification: Likely benign. Last evaluated: 2026-08-01. Review status: criteria provided, single submitter. Criteria: CeGaT Center For Human Genetics Tuebingen Variant Classification Criteria Version 2. Collection method: clinical testing. Allele origin: germline. Affected: yes. Observed: 5 variant alleles.
Comment: PLEC: BP4, BP7

Labcorp Genetics (formerly Invitae), Labcorp
Classification: Likely benign for Autosomal recessive limb-girdle muscular dystrophy type 2Q; Epidermolysis bullosa simplex, Ogna type; Epidermolysis bullosa simplex with nail dystrophy; Epidermolysis bullosa simplex 5C, with pyloric atresia; Epidermolysis bullosa simplex 5B, with muscular dystrophy. Last evaluated: 2026-01-23. Review status: criteria provided, single submitter. Criteria: Invitae Variant Classification Sherloc (09022015). Collection method: clinical testing. Allele origin: germline.

Women's Health and Genetics/Laboratory Corporation of America, LabCorp
Classification: Likely benign. Last evaluated: 2025-09-26. Review status: criteria provided, single submitter. Criteria: LabCorp Variant Classification Summary - May 2015. Collection method: clinical testing. Allele origin: germline.

Athena Diagnostics
Classification: Benign. Last evaluated: 2025-08-22. Review status: criteria provided, single submitter. Criteria: Athena Diagnostics Criteria. Collection method: clinical testing. Allele origin: unknown.
Comment: The frequency of this variant in the general population is higher than would generally be expected for pathogenic variants in this gene. Computational tools yielded predictions that this variant is unlikely to have an effect on normal RNA splicing. This nucleotide position exhibits low evolutionary conservation.

Mayo Clinic Laboratories, Mayo Clinic
Classification: Likely benign. Last evaluated: 2025-08-21. Review status: criteria provided, single submitter. Criteria: ACMG Guidelines, 2015. Collection method: clinical testing. Allele origin: germline. Observed: 4 variant alleles.
Comment: BP4, BP7

Blueprint Genetics
Classification: Likely benign. Last evaluated: 2024-10-22. Review status: criteria provided, single submitter. Criteria: ACMG Guidelines, 2015. Collection method: clinical testing. Allele origin: germline.

GeneDx
Classification: Likely benign. Last evaluated: 2021-06-11. Review status: criteria provided, single submitter. Criteria: GeneDx Variant Classification Process June 2021. Collection method: clinical testing. Allele origin: germline. Affected: yes.

Eurofins Ntd Llc (ga)
Classification: Uncertain significance. Last evaluated: 2015-09-22. Review status: criteria provided, single submitter. Criteria: EGL Classification Definitions. Collection method: clinical testing. Allele origin: germline. Observed: 7 variant alleles, 7 heterozygotes.

NM_201384.3(PLEC):c.3588C>T (p.Asp1196=)

Gene: PLEC (plectin; minus strand). Cytogenetic location: 8q24.3.
Variant type: single nucleotide variant.
Coding change: c.3588C>T on transcript NM_201384.3 (MANE Select); coding-DNA position 3588, C replaced by T.
Protein change: p.Asp1196=; no amino-acid change (aspartic acid 1196 retained).
Molecular consequence: synonymous variant.
Genome position (GRCh38, 1-based): chr8:143,927,578, G>A on the plus strand (C>T on the coding strand, the complement: PLEC is on the minus strand). VCF-style: chr8-143927578-G-A. GRCh37 (hg19) VCF-style: chr8-145001746-G-A.
Other names: p.Asp1182=; c.3669C>T, p.Asp1223= (NM_000445.5); c.3546C>T, p.Asp1182= (NM_201378.4); c.3522C>T, p.Asp1174= (NM_201379.3); c.3999C>T, p.Asp1333= (NM_201380.4); c.3492C>T, p.Asp1164= (NM_201381.3); c.3588C>T, p.Asp1196= (NM_201382.4); c.3600C>T, p.Asp1200= (NM_201383.3).
Identifiers: ClinVar variation 283276 (VCV000283276.61), dbSNP rs377059744, ClinGen allele CA4927014.
Genomic context (GRCh38, chr8:143,927,578, plus strand): 5'-TGCACTCTCGCGGTAGTAACGCAGCTGGCGGCCCAGTTGCTCGAGCTCGCGCTGCCGCAC[G>A]TCGGTCTGGGCCAGCACAGCCTGCCAGCGCTCAAGCAACTGGGCGACCCGCTCCCGCCAG-3'
Protein context (NP_958786.1, residues 1186-1206): ERWQAVLAQT[Asp1196=]VRQRELEQLG